The following is an entry in ClinVar:

NM_002906.4(RDX):c.1516A>G (p.Met506Val)

Gene: RDX (radixin; minus strand). Cytogenetic location: 11q22.3.
Variant type: single nucleotide variant.
Coding change: c.1516A>G on transcript NM_002906.4 (MANE Select); coding-DNA position 1516, A replaced by G.
Protein change: p.Met506Val; replaces methionine 506 with valine.
Molecular consequence: missense variant. On other transcripts: intron variant (1).
Genome position (GRCh38, 1-based): chr11:110,233,308, T>C on the plus strand (A>G on the coding strand, the complement: RDX is on the minus strand). VCF-style: chr11-110233308-T-C. GRCh37 (hg19) VCF-style: chr11-110104033-T-C.
Other names: c.1516A>G, p.Met506Val (NM_001260492.2, NM_001260493.2); c.1108A>G, p.Met370Val (NM_001260494.2); c.475A>G, p.Met159Val (NM_001260495.2); c.405-1304A>G (NM_001260496.2); short protein forms M159V, M370V, M506V.
Identifiers: ClinVar variation 3769995 (VCV003769995.2).

ClinVar aggregate classification (germline): Uncertain significance (1 of 4 stars; one submission).

gnomAD v4.1: 38 of 1,614,058 alleles (0.0024%); highest among the groups gnomAD compares: African/African-American, 0.043%; no homozygotes.

Submission:

GeneDx
Classification: Uncertain significance. Last evaluated: 2025-08-08. Review status: criteria provided, single submitter. Criteria: GeneDx Variant Classification Process June 2021. Collection method: clinical testing. Allele origin: germline.
Comment: In silico analysis suggests that this missense variant does not alter protein structure/function; Has not been previously published as pathogenic or benign to our knowledge